The following is an entry in ClinVar:

ClinVar aggregate classification (germline): Benign (1 of 4 stars; one submission).

Conditions:
Multiple synostoses syndrome 3 (SYNS3). Identifiers: Orphanet 3237, MedGen C2751826, MONDO:0013064, OMIM 612961.

Allele frequency attached by ClinVar (database versions not stated): gnomAD exomes 0.00062; gnomAD 0.00522 and 0.00556; 1000 Genomes Project 0.00539; 1000 Genomes Project 30x 0.00625; TOPMed 0.00628.
gnomAD v4.1: 996 of 453,618 alleles (0.22%); highest among the groups gnomAD compares: African/African-American, 1.8%; 9 homozygotes.

Submission:

Illumina Laboratory Services, Illumina
Classification: Benign for Multiple synostoses syndrome 3. Last evaluated: 2018-01-12. Review status: criteria provided, single submitter. Criteria: ICSL Variant Classification Criteria 13 December 2019. Collection method: clinical testing. Allele origin: germline.
Comment: This variant was observed in the ICSL laboratory as part of a predisposition screen in an ostensibly healthy population. It had not been previously curated by ICSL or reported in the Human Gene Mutation Database (HGMD: prior to June 1st, 2018), and was therefore a candidate for classification through an automated scoring system. Utilizing variant allele frequency, disease prevalence and penetrance estimates, and inheritance mode, an automated score was calculated to assess if this variant is too frequent to cause the disease. Based on the score and internal cut-off values, a variant classified as benign is not then subjected to further curation. The score for this variant resulted in a classification of benign for this disease.

NM_002010.3(FGF9):c.-429G>A

Gene: FGF9 (fibroblast growth factor 9; plus strand). Cytogenetic location: 13q12.11.
Variant type: single nucleotide variant.
Coding change: c.-429G>A on transcript NM_002010.3 (MANE Select); 429 bases upstream of the start codon, G replaced by A.
Molecular consequence: 5 prime UTR variant.
Genome position (GRCh38, 1-based): chr13:21,671,484, G>A. VCF-style: chr13-21671484-G-A. GRCh37 (hg19) VCF-style: chr13-22245623-G-A.
Identifiers: ClinVar variation 311409 (VCV000311409.5), dbSNP rs115025644, ClinGen allele CA10633987.
Genomic context (GRCh38, chr13:21,671,484, plus strand): 5'-AGAGAGTAAAAACAGCGCATGCCTTCCTGGAGTCAGGATCCGTAAATTCTGACGTAGCCC[G>A]TGCATCTTAAAAATCCCTATAATAACGCCTAGGCATTTAAGTTGCTATGGTCATTCTGAT-3'